The following is an entry in ClinVar:

ClinVar aggregate classification (germline): Uncertain significance (1 of 4 stars; one submission).

Conditions:
Chédiak-Higashi syndrome (CHS). Also called: Chediak-Higashi Syndrome. Identifiers: Orphanet 167, MedGen C0007965, MONDO:0008963, OMIM 214500.

Allele frequency attached by ClinVar (database versions not stated): ExAC 0.00001; gnomAD exomes 0.00001.
gnomAD v4.1: 15 of 1,614,026 alleles (0.00093%); highest among the groups gnomAD compares: South Asian, 0.0099%; no homozygotes.

Submission:

Labcorp Genetics (formerly Invitae), Labcorp
Classification: Uncertain significance for Chédiak-Higashi syndrome. Last evaluated: 2024-04-05. Review status: criteria provided, single submitter. Criteria: Invitae Variant Classification Sherloc (09022015). Collection method: clinical testing. Allele origin: germline.
Comment: This sequence change replaces proline, which is neutral and non-polar, with serine, which is neutral and polar, at codon 954 of the LYST protein (p.Pro954Ser). This variant is present in population databases (rs770636769, gnomAD 0.009%). This variant has not been reported in the literature in individuals affected with LYST-related conditions. ClinVar contains an entry for this variant (Variation ID: 1481164). Advanced modeling of protein sequence and biophysical properties (such as structural, functional, and spatial information, amino acid conservation, physicochemical variation, residue mobility, and thermodynamic stability) performed at Invitae indicates that this missense variant is not expected to disrupt LYST protein function with a negative predictive value of 80%. In summary, the available evidence is currently insufficient to determine the role of this variant in disease. Therefore, it has been classified as a Variant of Uncertain Significance.

NM_000081.4(LYST):c.2860C>T (p.Pro954Ser)

Gene: LYST (lysosomal trafficking regulator; minus strand). Cytogenetic location: 1q42.3.
Variant type: single nucleotide variant.
Coding change: c.2860C>T on transcript NM_000081.4 (MANE Select); coding-DNA position 2860, C replaced by T.
Protein change: p.Pro954Ser; replaces proline 954 with serine.
Molecular consequence: missense variant.
Genome position (GRCh38, 1-based): chr1:235,806,276, G>A on the plus strand (C>T on the coding strand, the complement: LYST is on the minus strand). VCF-style: chr1-235806276-G-A. GRCh37 (hg19) VCF-style: chr1-235969576-G-A.
Other names: c.2860C>T, p.Pro954Ser (NM_001301365.1); short protein forms P954S.
Identifiers: ClinVar variation 1481164 (VCV001481164.6), dbSNP rs770636769, ClinGen allele CA1467193.